The following is an entry in ClinVar:

NM_012330.4(KAT6B):c.4852A>G (p.Ser1618Gly)

Gene: KAT6B (lysine acetyltransferase 6B; plus strand). Cytogenetic location: 10q22.2.
Variant type: single nucleotide variant.
Coding change: c.4852A>G on transcript NM_012330.4 (MANE Select); coding-DNA position 4852, A replaced by G.
Protein change: p.Ser1618Gly; replaces serine 1618 with glycine.
Molecular consequence: missense variant.
Genome position (GRCh38, 1-based): chr10:75,029,676, A>G. VCF-style: chr10-75029676-A-G. GRCh37 (hg19) VCF-style: chr10-76789434-A-G.
Other names: c.4852A>G, p.Ser1618Gly (NM_001370136.1, NM_001370137.1); c.4303A>G, p.Ser1435Gly (NM_001370138.1, NM_001256468.2); c.3976A>G, p.Ser1326Gly (NM_001370139.1, NM_001370140.1, NM_001370141.1 and 2 more transcripts); c.3787A>G, p.Ser1263Gly (NM_001370143.1, NM_001370144.1); c.3814A>G, p.Ser1272Gly (NM_001370132.1); c.3163A>G, p.Ser1055Gly (NM_001370133.1); c.2767A>G, p.Ser923Gly (NM_001370134.1); c.2509A>G, p.Ser837Gly (NM_001370135.1); short protein forms S1326G, S1435G, S837G, S923G, S1055G, S1263G, S1272G, S1618G.
Identifiers: ClinVar variation 1407692 (VCV001407692.5), dbSNP rs370040258, ClinGen allele CA5565112.

ClinVar aggregate classification (germline): Uncertain significance (1 of 4 stars; one submission).

Conditions:
Genitopatellar syndrome (GTPTS). Also called: Genitopatellar syndrome (GPS); ABSENT PATELLAE, SCROTAL HYPOPLASIA, RENAL ANOMALIES, FACIAL DYSMORPHISM, AND MENTAL RETARDATION. Identifiers: Orphanet 85201, MedGen C1853566, MONDO:0011640, OMIM 606170.

Allele frequency attached by ClinVar (database versions not stated): gnomAD exomes below 0.00001.
gnomAD v4.1: 6 of 1,614,122 alleles (0.00037%); highest among the groups gnomAD compares: Non-Finnish European, 0.00051%; no homozygotes.

Submission:

Labcorp Genetics (formerly Invitae), Labcorp
Classification: Uncertain significance for Genitopatellar syndrome. Last evaluated: 2021-12-01. Review status: criteria provided, single submitter. Criteria: Invitae Variant Classification Sherloc (09022015). Collection method: clinical testing. Allele origin: germline.
Comment: This variant is present in population databases (rs370040258, gnomAD 0.004%). In summary, the available evidence is currently insufficient to determine the role of this variant in disease. Therefore, it has been classified as a Variant of Uncertain Significance. Algorithms developed to predict the effect of sequence changes on RNA splicing suggest that this variant may create or strengthen a splice site. Algorithms developed to predict the effect of missense changes on protein structure and function (SIFT, PolyPhen-2, Align-GVGD) all suggest that this variant is likely to be tolerated. This variant has not been reported in the literature in individuals affected with KAT6B-related conditions. This sequence change replaces serine, which is neutral and polar, with glycine, which is neutral and non-polar, at codon 1618 of the KAT6B protein (p.Ser1618Gly).